The following is an entry in ClinVar:

ClinVar aggregate classification (germline): Likely benign (1 of 4 stars; one submission).

gnomAD v4.1: 84 of 1,210,011 alleles (0.0069%); highest among the groups gnomAD compares: South Asian, 0.14%; 1 homozygote.

Submission:

CeGaT Center for Human Genetics Tuebingen
Classification: Likely benign. Last evaluated: 2026-10-01. Review status: criteria provided, single submitter. Criteria: CeGaT Center For Human Genetics Tuebingen Variant Classification Criteria Version 2. Collection method: clinical testing. Allele origin: germline. Affected: yes. Observed: 1 variant allele.
Comment: TIMP1: BP4, BP7, BS2

NM_003254.3(TIMP1):c.294G>A (p.Arg98=)

Genes: SYN1 (synapsin I; minus strand), TIMP1 (TIMP metallopeptidase inhibitor 1; plus strand). Cytogenetic location: Xp11.3.
Variant type: single nucleotide variant.
Coding change: c.294G>A on transcript NM_003254.3 (MANE Select); coding-DNA position 294, G replaced by A.
Protein change: p.Arg98=; no amino-acid change (arginine 98 retained).
Molecular consequence: synonymous variant. On other transcripts: intron variant (2).
Genome position (GRCh38, 1-based): chrX:47,585,297, G>A. VCF-style: chrX-47585297-G-A. GRCh37 (hg19) VCF-style: chrX-47444696-G-A.
Other names: c.775-7796C>T (NM_133499.2, NM_006950.3).
Identifiers: ClinVar variation 5041159 (VCV005041159.1).